The following is an entry in ClinVar:

ClinVar aggregate classification (germline): Likely benign. Review status: criteria provided, multiple submitters, no conflicts (2 of 4 stars). 3 submissions from 3 submitters: Likely benign (3). Last evaluated 2025-12-03.

Conditions:
TOP3A-related disorder. Also called: TOP3A-related disorders; TOP3A-related condition.

Allele frequency attached by ClinVar (database versions not stated): ExAC 0.00027; 1000 Genomes Project 30x 0.00031; 1000 Genomes Project 0.00040; ESP Exome Variant Server 0.00108.
gnomAD v4.1: 233 of 1,614,096 alleles (0.014%); highest among the groups gnomAD compares: African/African-American, 0.28%; no homozygotes.

Submissions (3):

PreventionGenetics, part of Exact Sciences
Classification: Likely benign for TOP3A-related condition. Last evaluated: 2025-12-03. Review status: criteria provided, single submitter. Criteria: ACMG Guidelines, 2015. Collection method: clinical testing. Allele origin: germline.
Comment: This variant is classified as likely benign based on ACMG/AMP sequence variant interpretation guidelines (Richards et al. 2015 PMID: 25741868, with internal and published modifications).

Labcorp Genetics (formerly Invitae), Labcorp
Classification: Likely benign. Last evaluated: 2025-10-04. Review status: criteria provided, single submitter. Criteria: Invitae Variant Classification Sherloc (09022015). Collection method: clinical testing. Allele origin: germline.

Breakthrough Genomics
Classification: Likely benign. Review status: criteria provided, single submitter. Criteria: ACMG Guidelines, 2015. Collection method: not provided. Allele origin: germline. Inheritance: Autosomal recessive inheritance. Affected: yes.

NM_004618.5(TOP3A):c.840C>G (p.Ile280Met)

Gene: TOP3A (DNA topoisomerase III alpha; minus strand). Cytogenetic location: 17p11.2.
Variant type: single nucleotide variant.
Coding change: c.840C>G on transcript NM_004618.5 (MANE Select); coding-DNA position 840, C replaced by G.
Protein change: p.Ile280Met; replaces isoleucine 280 with methionine.
Molecular consequence: missense variant.
Genome position (GRCh38, 1-based): chr17:18,301,960, G>C on the plus strand (C>G on the coding strand, the complement: TOP3A is on the minus strand). VCF-style: chr17-18301960-G-C. GRCh37 (hg19) VCF-style: chr17-18205274-G-C.
Other names: c.555C>G, p.Ile185Met (NM_001320759.2); c.840C>G (NM_004618.4); short protein forms I185M, I280M.
Identifiers: ClinVar variation 1577470 (VCV001577470.9), dbSNP rs34430764, ClinGen allele CA8430106.